The following is an entry in ClinVar:

ClinVar aggregate classification (germline): Likely pathogenic. Review status: criteria provided, multiple submitters, no conflicts (2 of 4 stars). 2 submissions from 2 submitters: Likely pathogenic (2). Last evaluated 2024-06-01.

Allele frequency attached by ClinVar (database versions not stated): gnomAD exomes below 0.00001.
gnomAD v4.1: 2 of 1,612,926 alleles (0.00012%); highest among the groups gnomAD compares: Non-Finnish European, 0.00017%; no homozygotes.

Submissions (2):

CeGaT Center for Human Genetics Tuebingen
Classification: Likely pathogenic. Last evaluated: 2024-06-01. Review status: criteria provided, single submitter. Criteria: CeGaT Center For Human Genetics Tuebingen Variant Classification Criteria Version 2. Collection method: clinical testing. Allele origin: germline. Affected: yes. Observed: 1 variant allele.
Comment: COL2A1: PM1:Strong, PM2, PM5:Supporting, PP3

Labcorp Genetics (formerly Invitae), Labcorp
Classification: Likely pathogenic. Last evaluated: 2024-04-25. Review status: criteria provided, single submitter. Criteria: Invitae Variant Classification Sherloc (09022015). Collection method: clinical testing. Allele origin: germline.
Comment: This sequence change replaces glycine, which is neutral and non-polar, with serine, which is neutral and polar, at codon 855 of the COL2A1 protein (p.Gly855Ser). This variant is not present in population databases (gnomAD no frequency). This variant has not been reported in the literature in individuals affected with COL2A1-related conditions. ClinVar contains an entry for this variant (Variation ID: 1932496). Advanced modeling of protein sequence and biophysical properties (such as structural, functional, and spatial information, amino acid conservation, physicochemical variation, residue mobility, and thermodynamic stability) performed at Invitae indicates that this missense variant is expected to disrupt COL2A1 protein function with a positive predictive value of 95%. This variant disrupts the triple helix domain of COL2A1. Glycine residues within the Gly-Xaa-Yaa repeats of the triple helix domain are required for the structure and stability of fibrillar collagens (PMID: 7695699, 8218237, 19344236). In COL2A1, variants affecting these glycine residues are significantly enriched in individuals with disease (PMID: 9016532, 17078022) compared to the general population (ExAC). In summary, the currently available evidence indicates that the variant is pathogenic, but additional data are needed to prove that conclusively. Therefore, this variant has been classified as Likely Pathogenic.

Literature cited by the submitters: PubMed 7695699 (cited by Labcorp Genetics (formerly Invitae), Labcorp); PubMed 8218237 (cited by Labcorp Genetics (formerly Invitae), Labcorp); PubMed 19344236 (cited by Labcorp Genetics (formerly Invitae), Labcorp); PubMed 9016532 (cited by Labcorp Genetics (formerly Invitae), Labcorp); PubMed 17078022 (cited by Labcorp Genetics (formerly Invitae), Labcorp).

NM_001844.5(COL2A1):c.2563G>A (p.Gly855Ser)

Gene: COL2A1 (collagen type II alpha 1 chain; minus strand). Cytogenetic location: 12q13.11.
Variant type: single nucleotide variant.
Coding change: c.2563G>A on transcript NM_001844.5 (MANE Select); coding-DNA position 2563, G replaced by A.
Protein change: p.Gly855Ser; replaces glycine 855 with serine.
Molecular consequence: missense variant.
Genome position (GRCh38, 1-based): chr12:47,980,616, C>T on the plus strand (G>A on the coding strand, the complement: COL2A1 is on the minus strand). VCF-style: chr12-47980616-C-T. GRCh37 (hg19) VCF-style: chr12-48374399-C-T.
Other names: c.2356G>A, p.Gly786Ser (NM_033150.3); short protein forms G786S, G855S.
Identifiers: ClinVar variation 1932496 (VCV001932496.23), dbSNP rs1193507525, ClinGen allele CA384544462.